The following is an entry in ClinVar:

ClinVar aggregate classification (germline): Conflicting classifications of pathogenicity. Review status: criteria provided, conflicting classifications (1 of 4 stars). 2 submissions from 2 submitters: Pathogenic (1); Uncertain significance (1). Last evaluated 2025-02-19.

Conditions:
Hereditary cancer-predisposing syndrome. Also called: Tumor predisposition; Hereditary Cancer Syndrome; Hereditary neoplastic syndrome; Neoplastic Syndromes, Hereditary. Identifiers: Orphanet 140162, MedGen C0027672, MeSH D009386, MONDO:0015356.

Submissions (2):

Ambry Genetics
Classification: Uncertain significance for Hereditary cancer-predisposing syndrome. Last evaluated: 2025-02-19. Review status: criteria provided, single submitter. Criteria: Ambry Variant Classification Scheme 2023. Collection method: clinical testing. Allele origin: germline.
Comment: The c.5063dupC variant, located in coding exon 38 of the POLE gene, results from a duplication of C at nucleotide position 5063, causing a translational frameshift with a predicted alternate stop codon (p.T1689Yfs*5). This alteration is expected to result in loss of function by premature protein truncation or nonsense-mediated mRNA decay. Although biallelic loss of function of POLE has been associated with autosomal recessive POLE deficiency, haploinsufficiency of POLE has not been established as a mechanism of disease for POLE-related polymerase proofreading-associated polyposis (PPAP) and POLE-related CMMRD-like syndrome. Based on the supporting evidence, this variant is expected to be causative of POLE deficiency when present along with a second pathogenic variant on the other allele; however, its clinical significance for PPAP and POLE-related CMMRD-like syndrome is unclear.

Labcorp Genetics (formerly Invitae), Labcorp
Classification: Pathogenic. Last evaluated: 2022-05-23. Review status: criteria provided, single submitter. Criteria: Invitae Variant Classification Sherloc (09022015). Collection method: clinical testing. Allele origin: germline.
Comment: For these reasons, this variant has been classified as Pathogenic. This variant has not been reported in the literature in individuals affected with POLE-related conditions. This variant is not present in population databases (gnomAD no frequency). This sequence change creates a premature translational stop signal (p.Thr1689Tyrfs*5) in the POLE gene. It is expected to result in an absent or disrupted protein product. Loss-of-function variants in POLE are known to be pathogenic (PMID: 23230001, 25948378, 30503519).

Literature cited by the submitters: PubMed 23230001 (cited by Labcorp Genetics (formerly Invitae), Labcorp); PubMed 25948378 (cited by Labcorp Genetics (formerly Invitae), Labcorp); PubMed 30503519 (cited by Labcorp Genetics (formerly Invitae), Labcorp).

NM_006231.4(POLE):c.5063dup (p.Thr1689fs)

Gene: POLE (DNA polymerase epsilon, catalytic subunit; minus strand). Cytogenetic location: 12q24.33.
Variant type: Duplication.
Coding change: c.5063dup on transcript NM_006231.4 (MANE Select); coding-DNA position 5063, one base duplicated (C; older notation c.5063dupC).
Protein change: p.Thr1689fs; shifts the reading frame from threonine 1689.
Molecular consequence: frameshift variant.
Genome position (GRCh38, 1-based): chr12:132,642,287, G duplicated on the plus strand (C on the coding strand, the reverse complement: POLE is on the minus strand); the first of 4 consecutive G bases (chr12:132,642,287-132,642,290); duplicating any one gives the same sequence. VCF-style (leftmost placement, unchanged base first): chr12-132642286-A-AG. GRCh37 (hg19) VCF-style: chr12-133218872-A-AG.
Other names: c.5063dupC (NM_006231.2); short protein forms T1689fs.
Identifiers: ClinVar variation 1966730 (VCV001966730.6), dbSNP rs2042163217, ClinGen allele CA2580086206.
Genomic context (GRCh38, chr12:132,642,286, plus strand): 5'-GAACTCCATGACAAGACAGTTGTCATCAGCCTCCTTTCCACCCAGGTCAGGGCGGGCTGT[A>AG]GGGGACAGCCAGAGCAGGTGGTTGTGGCGCTGGAGGTGGCGGGCAAAGAAGAGGTCGGAG-3'